The following is an entry in ClinVar:

NM_017547.4(FOXRED1):c.20C>T (p.Pro7Leu)

Genes: FOXRED1 (FAD dependent oxidoreductase domain containing 1; plus strand), LOC130007026 (ATAC-STARR-seq lymphoblastoid active region 5705; plus strand). Cytogenetic location: 11q24.2.
Variant type: single nucleotide variant.
Coding change: c.20C>T on transcript NM_017547.4 (MANE Select); coding-DNA position 20, C replaced by T.
Protein change: p.Pro7Leu; replaces proline 7 with leucine.
Molecular consequence: missense variant. On other transcripts: non-coding transcript variant (2).
Genome position (GRCh38, 1-based): chr11:126,269,226, C>T. VCF-style: chr11-126269226-C-T. GRCh37 (hg19) VCF-style: chr11-126139121-C-T.
Other names: short protein forms P7L.
Identifiers: ClinVar variation 1032748 (VCV001032748.5), dbSNP rs141392346, ClinGen allele CA6353918.
Genomic context (GRCh38, chr11:126,269,226, plus strand): 5'-GCAGCAGTGCAGCTTTCAGAGGGTCCGGGCTCAGAGGGGTTATGATTCGGAGGGTTCTGC[C>T]GCACGGCATGGGCCGGGGCCTCTTGACCCGGAGGCCAGGCACGCGCAGAGGAGGCTTTTC-3'
Protein context (NP_060017.1, residues 1-17): MIRRVL[Pro7Leu]HGMGRGLLTR

ClinVar aggregate classification (germline): Uncertain significance. Review status: criteria provided, multiple submitters, no conflicts (2 of 4 stars). 3 submissions from 3 submitters: Uncertain significance (3). Last evaluated 2025-09-04.

Conditions:
Inborn genetic diseases. Identifiers: MedGen C0950123, MeSH D030342.
Leigh syndrome (NULS). Also called: Subacute necrotizing encephalopathy; Necrotizing encephalopathy infantile subacute of Leigh; Leigh's syndrome; Leigh Disease; LEIGH SYNDROME, NUCLEAR; Leigh's necrotizing encephalopathy. Identifiers: Orphanet 506, MedGen C2931891, MONDO:0009723, OMIM 256000.

Allele frequency attached by ClinVar (database versions not stated): ExAC 0.00002; gnomAD 0.00009; TOPMed 0.00009; ESP Exome Variant Server 0.00031.
gnomAD v4.1: 32 of 1,613,872 alleles (0.002%); highest among the groups gnomAD compares: African/African-American, 0.023%; no homozygotes.

Submissions (3):

Ambry Genetics
Classification: Uncertain significance for Inborn genetic diseases. Last evaluated: 2025-09-04. Review status: criteria provided, single submitter. Criteria: Ambry Variant Classification Scheme 2023. Collection method: clinical testing. Allele origin: germline.

Labcorp Genetics (formerly Invitae), Labcorp
Classification: Uncertain significance. Last evaluated: 2025-09-02. Review status: criteria provided, single submitter. Criteria: Invitae Variant Classification Sherloc (09022015). Collection method: clinical testing. Allele origin: germline.
Comment: This sequence change replaces proline, which is neutral and non-polar, with leucine, which is neutral and non-polar, at codon 7 of the FOXRED1 protein (p.Pro7Leu). This variant is present in population databases (rs141392346, gnomAD 0.02%). This variant has not been reported in the literature in individuals affected with FOXRED1-related conditions. ClinVar contains an entry for this variant (Variation ID: 1032748). Invitae Evidence Modeling of protein sequence and biophysical properties (such as structural, functional, and spatial information, amino acid conservation, physicochemical variation, residue mobility, and thermodynamic stability) indicates that this missense variant is not expected to disrupt FOXRED1 protein function with a negative predictive value of 95%. In summary, the available evidence is currently insufficient to determine the role of this variant in disease. Therefore, it has been classified as a Variant of Uncertain Significance.

Baylor Genetics
Classification: Uncertain significance for Leigh syndrome. Last evaluated: 2018-10-31. Review status: criteria provided, single submitter. Criteria: ACMG Guidelines, 2015. Collection method: clinical testing. Allele origin: maternal. Affected: yes.
Comment: This variant was determined to be of uncertain significance according to ACMG Guidelines, 2015 [PMID:25741868].